The following is an entry in ClinVar:

NM_012295.4(CABIN1):c.5517G>A (p.Pro1839=)

Gene: CABIN1 (calcineurin binding protein 1; plus strand). Cytogenetic location: 22q11.23.
Variant type: single nucleotide variant.
Coding change: c.5517G>A on transcript NM_012295.4 (MANE Select); coding-DNA position 5517, G replaced by A.
Protein change: p.Pro1839=; no amino-acid change (proline 1839 retained).
Molecular consequence: synonymous variant.
Genome position (GRCh38, 1-based): chr22:24,167,148, G>A. VCF-style: chr22-24167148-G-A. GRCh37 (hg19) VCF-style: chr22-24563116-G-A.
Other names: c.5517G>A, p.Pro1839= (NM_001199281.1); c.5367G>A, p.Pro1789= (NM_001201429.2).
Identifiers: ClinVar variation 724487 (VCV000724487.27), dbSNP rs149519868, ClinGen allele CA10149776.

ClinVar aggregate classification (germline): Likely benign. Review status: criteria provided, multiple submitters, no conflicts (2 of 4 stars). 2 submissions from 2 submitters: Likely benign (2). Last evaluated 2022-03-01.

Allele frequency attached by ClinVar (database versions not stated): gnomAD exomes 0.00032; gnomAD 0.00042 and 0.00043; ExAC 0.00043; TOPMed 0.00047; ESP Exome Variant Server 0.00077.
gnomAD v4.1: 1,193 of 1,600,542 alleles (0.075%); highest among the groups gnomAD compares: Non-Finnish European, 0.094%; 2 homozygotes.

Submissions (2):

CeGaT Center for Human Genetics Tuebingen
Classification: Likely benign. Last evaluated: 2022-03-01. Review status: criteria provided, single submitter. Criteria: CeGaT Center For Human Genetics Tuebingen Variant Classification Criteria Version 2. Collection method: clinical testing. Allele origin: germline. Affected: yes. Observed: 1 variant allele.
Comment: CABIN1: BP4, BP7

Labcorp Genetics (formerly Invitae), Labcorp
Classification: Likely benign. Last evaluated: 2018-03-29. Review status: criteria provided, single submitter. Criteria: Invitae Variant Classification Sherloc (09022015). Collection method: clinical testing. Allele origin: germline.